The following is an entry in ClinVar:

NM_000091.5(COL4A3):c.325-13_325-11del

Genes: COL4A3 (collagen type IV alpha 3 chain; plus strand), MFF-DT (MFF divergent transcript; minus strand). Cytogenetic location: 2q36.3.
Variant type: Deletion.
Coding change: c.325-13_325-11del on transcript NM_000091.5 (MANE Select); 13 bases into the intron before coding-DNA position 325 through 11 bases into the intron before coding-DNA position 325, 3 bases deleted (GTT; older notation c.325-13_325-11delGTT).
Molecular consequence: intron variant.
Genome position (GRCh38, 1-based): chr2:227,245,941-227,245,943, GTT deleted; deleting any 3 consecutive bases within chr2:227,245,939-227,245,943 gives the same sequence; the c. name uses the placement nearest the transcript's 3' end. VCF-style (leftmost placement, unchanged base first): chr2-227245938-CTTG-C. GRCh37 (hg19) VCF-style: chr2-228110654-CTTG-C.
Identifiers: ClinVar variation 3363131 (VCV003363131.1).

ClinVar aggregate classification (germline): Uncertain significance (1 of 4 stars; one submission).

Conditions:
Alport syndrome 3b, autosomal recessive. Identifiers: MedGen C5882699, MONDO:0957811, OMIM 620536.

Submission:

Genomic Medicine Center of Excellence, King Faisal Specialist Hospital and Research Centre
Classification: Uncertain significance for Alport syndrome 3b, autosomal recessive. Last evaluated: 2024-10-13. Review status: criteria provided, single submitter. Criteria: ACMG Guidelines, 2015. Collection method: clinical testing. Allele origin: germline.
Comment: This variant (GRCh38; NM_000091.5:c.325-13_325-11del) results in small deletion in the intronic region of the COL4A3 gene. Not observed at significant frequency in large population cohorts (gnomAD). To our knowledge this variant not been previously curated or reported in public Database. A literature search was performed for the gene and associated variants. Based on this search no publications were found. In summary, this variant meets our criteria for classification as of Unknown Clinical Significance based on the evidence outlined.